The following is an entry in ClinVar:

ClinVar aggregate classification (germline): Uncertain significance. Review status: criteria provided, multiple submitters, no conflicts (2 of 4 stars). 2 submissions from 2 submitters: Uncertain significance (2). Last evaluated 2026-01-21.

Conditions:
Familial cancer of breast. Also called: Hereditary breast cancer; hereditary breast carcinoma; BREAST CANCER, FAMILIAL. Identifiers: Orphanet 227535, MedGen C0346153, MONDO:0016419, OMIM 114480. Disease mechanism: loss of function.
Hereditary cancer-predisposing syndrome. Also called: Tumor predisposition; Hereditary Cancer Syndrome; Hereditary neoplastic syndrome; Neoplastic Syndromes, Hereditary. Identifiers: Orphanet 140162, MedGen C0027672, MeSH D009386, MONDO:0015356.

Allele frequency attached by ClinVar (database versions not stated): gnomAD exomes below 0.00001.
gnomAD v4.1: 1 of 1,614,166 alleles (0.000062%); highest among the groups gnomAD compares: South Asian, 0.0011%; no homozygotes.

Submissions (2):

Ambry Genetics
Classification: Uncertain significance for Hereditary cancer-predisposing syndrome. Last evaluated: 2026-01-21. Review status: criteria provided, single submitter. Criteria: Ambry Variant Classification Scheme 2023. Collection method: clinical testing. Allele origin: germline.
Comment: The p.E2635Q variant (also known as c.7903G>C), located in coding exon 16 of the BRCA2 gene, results from a G to C substitution at nucleotide position 7903. The glutamic acid at codon 2635 is replaced by glutamine, an amino acid with highly similar properties. Two saturation genome editing-based studies, including a haploid cell-survival assay and a humanized mouse embryonic stem cell line assay of drug response and survival, demonstrate that this nucleotide substitution is non-functional (Huang H et al. Nature. 2025 Feb;638(8050):528-537; Sahu S et al. Nature. 2025 Feb;638(8050):538-545). This amino acid position is highly conserved in available vertebrate species. In addition, this alteration is predicted to be deleterious by in silico analysis. Based on the available evidence, the clinical significance of this variant remains unclear.

Baylor Genetics
Classification: Uncertain significance for Familial cancer of breast. Last evaluated: 2023-12-17. Review status: criteria provided, single submitter. Criteria: ACMG Guidelines, 2015. Collection method: clinical testing. Allele origin: unknown.

NM_000059.4(BRCA2):c.7903G>C (p.Glu2635Gln)

Gene: BRCA2 (BRCA2 DNA repair associated; plus strand). Cytogenetic location: 13q13.1.
Variant type: single nucleotide variant.
Coding change: c.7903G>C on transcript NM_000059.4 (MANE Select); coding-DNA position 7903, G replaced by C.
Protein change: p.Glu2635Gln; replaces glutamic acid 2635 with glutamine.
Molecular consequence: missense variant. On other transcripts: non-coding transcript variant (1).
Genome position (GRCh38, 1-based): chr13:32,362,620, G>C. VCF-style: chr13-32362620-G-C. GRCh37 (hg19) VCF-style: chr13-32936757-G-C.
Other names: c.7807G>C, p.Glu2603Gln (NM_001406719.1); c.7903G>C, p.Glu2635Gln (NM_001406720.1); c.2971G>C, p.Glu991Gln (NM_001406721.1); c.1486G>C, p.Glu496Gln (NM_001406722.1); short protein forms E2603Q, E2635Q, E496Q, E991Q.
Identifiers: ClinVar variation 3240960 (VCV003240960.2), dbSNP rs2137577279.
Genomic context (GRCh38, chr13:32,362,620, plus strand): 5'-ATTTCTAGAATTTGGGTTTATAATCACTATAGATGGATCATATGGAAACTGGCAGCTATG[G>C]AATGTGCCTTTCCTAAGGAATTTGCTAATAGATGCCTAAGCCCAGAAAGGGTGCTTCTTC-3'
Protein context (NP_000050.3, residues 2625-2645): RWIIWKLAAM[Glu2635Gln]CAFPKEFANR